The following is an entry in ClinVar:

ClinVar aggregate classification (germline): Pathogenic. Review status: criteria provided, multiple submitters, no conflicts (2 of 4 stars). 2 submissions from 2 submitters: Pathogenic (2). Last evaluated 2023-05-08.

Conditions:
Neurofibromatosis, type 2 (SWNV). Also called: BILATERAL ACOUSTIC NEUROFIBROMATOSIS; SCHWANNOMATOSIS, VESTIBULAR; NF2-Related Schwannomatosis. Identifiers: Orphanet 637, MedGen C0027832, MONDO:0007039, OMIM 101000. Disease mechanism: loss of function.
Hereditary cancer-predisposing syndrome. Also called: Tumor predisposition; Neoplastic Syndromes, Hereditary; Hereditary Cancer Syndrome; Hereditary neoplastic syndrome. Identifiers: Orphanet 140162, MedGen C0027672, MeSH D009386, MONDO:0015356.

Submissions (2):

Ambry Genetics
Classification: Pathogenic for Hereditary cancer-predisposing syndrome. Last evaluated: 2023-05-08. Review status: criteria provided, single submitter. Criteria: Ambry Variant Classification Scheme 2023. Collection method: clinical testing. Allele origin: germline.
Comment: The p.Q538* pathogenic mutation (also known as c.1612C>T), located in coding exon 15 of the NF2 gene, results from a C to T substitution at nucleotide position 1612. This changes the amino acid from a glutamine to a stop codon within coding exon 15. This mutation has been detected in an individual with NF2-related schwannomatosis (Bourn D et al. Hum Genet, 1995 May;95:572-4). This variant is considered to be rare based on population cohorts in the Genome Aggregation Database (gnomAD). This alteration is expected to result in loss of function by premature protein truncation or nonsense-mediated mRNA decay. As such, this alteration is interpreted as a disease-causing mutation.

Labcorp Genetics (formerly Invitae), Labcorp
Classification: Pathogenic for Neurofibromatosis, type 2. Last evaluated: 2021-04-01. Review status: criteria provided, single submitter. Criteria: Invitae Variant Classification Sherloc (09022015). Collection method: clinical testing. Allele origin: germline.
Comment: For these reasons, this variant has been classified as Pathogenic. This variant has been observed in individual(s) with clinical features of neurofibromatosis type 2 (PMID: 7759081, 18033041). This variant is not present in population databases (ExAC no frequency). This sequence change creates a premature translational stop signal (p.Gln538*) in the NF2 gene. It is expected to result in an absent or disrupted protein product. Loss-of-function variants in NF2 are known to be pathogenic (PMID: 9643284, 16983642).

Literature cited by the submitters: PubMed 17330926 (cited by Ambry Genetics); PubMed 21563229 (cited by Ambry Genetics); PubMed 7759081 (cited by Ambry Genetics and Labcorp Genetics (formerly Invitae), Labcorp); PubMed 18033041 (cited by Labcorp Genetics (formerly Invitae), Labcorp); PubMed 9643284 (cited by Labcorp Genetics (formerly Invitae), Labcorp); PubMed 16983642 (cited by Labcorp Genetics (formerly Invitae), Labcorp).

NM_000268.4(NF2):c.1612C>T (p.Gln538Ter)

Gene: NF2 (NF2, moesin-ezrin-radixin like (MERLIN) tumor suppressor; plus strand). Cytogenetic location: 22q12.2.
Variant type: single nucleotide variant.
Coding change: c.1612C>T on transcript NM_000268.4 (MANE Select); coding-DNA position 1612, C replaced by T.
Protein change: p.Gln538Ter; replaces glutamine 538 with a stop codon.
Molecular consequence: nonsense. On other transcripts: non-coding transcript variant (1), intron variant (1).
Genome position (GRCh38, 1-based): chr22:29,681,476, C>T. VCF-style: chr22-29681476-C-T. GRCh37 (hg19) VCF-style: chr22-30077465-C-T.
Other names: c.1612C>T, p.Gln538Ter (NM_016418.5, NM_181825.3, NM_181832.3); c.1486C>T, p.Gln496Ter (NM_181828.3); c.1489C>T, p.Gln497Ter (NM_181829.3); c.1363C>T, p.Gln455Ter (NM_181830.3, NM_181831.3); c.448-13276C>T (NM_181833.3); c.1612C>T (NM_000268.3); short protein forms Q497*, Q455*, Q496*, Q538*.
Identifiers: ClinVar variation 1459144 (VCV001459144.10), dbSNP rs2147122623, ClinGen allele CA411150075.